The following is an entry in ClinVar:

ClinVar aggregate classification (germline): Uncertain significance (1 of 4 stars; one submission).

Conditions:
Epidermodysplasia verruciformis. Identifiers: Orphanet 302, MedGen C0014522, MONDO:0009176.

Submission:

Labcorp Genetics (formerly Invitae), Labcorp
Classification: Uncertain significance for Epidermodysplasia verruciformis. Last evaluated: 2020-08-07. Review status: criteria provided, single submitter. Criteria: Invitae Variant Classification Sherloc (09022015). Collection method: clinical testing. Allele origin: germline.
Comment: This sequence change replaces isoleucine with valine at codon 478 of the TMC8 protein (p.Ile478Val). The isoleucine residue is moderately conserved and there is a small physicochemical difference between isoleucine and valine. This variant is not present in population databases (ExAC no frequency). This variant has not been reported in the literature in individuals with TMC8-related conditions. Algorithms developed to predict the effect of missense changes on protein structure and function are either unavailable or do not agree on the potential impact of this missense change (SIFT: "Tolerated"; PolyPhen-2: "Probably Damaging"; Align-GVGD: "Class C0"). In summary, the available evidence is currently insufficient to determine the role of this variant in disease. Therefore, it has been classified as a Variant of Uncertain Significance.

NM_152468.5(TMC8):c.1432A>G (p.Ile478Val)

Gene: TMC8 (transmembrane channel like 8; plus strand). Cytogenetic location: 17q25.3.
Variant type: single nucleotide variant.
Coding change: c.1432A>G on transcript NM_152468.5 (MANE Select); coding-DNA position 1432, A replaced by G.
Protein change: p.Ile478Val; replaces isoleucine 478 with valine.
Molecular consequence: missense variant.
Genome position (GRCh38, 1-based): chr17:78,138,087, A>G. VCF-style: chr17-78138087-A-G. GRCh37 (hg19) VCF-style: chr17-76134168-A-G.
Other names: short protein forms I478V.
Identifiers: ClinVar variation 1026496 (VCV001026496.9), dbSNP rs2075281876, ClinGen allele CA401250662.